The following is an entry in ClinVar:

ClinVar aggregate classification (germline): Uncertain significance (1 of 4 stars; one submission).

Submission:

Labcorp Genetics (formerly Invitae), Labcorp
Classification: Uncertain significance. Last evaluated: 2024-12-02. Review status: criteria provided, single submitter. Criteria: Invitae Variant Classification Sherloc (09022015). Collection method: clinical testing. Allele origin: germline.
Comment: This sequence change replaces alanine, which is neutral and non-polar, with glutamic acid, which is acidic and polar, at codon 189 of the GNMT protein (p.Ala189Glu). This variant is not present in population databases (gnomAD no frequency). This variant has not been reported in the literature in individuals affected with GNMT-related conditions. Invitae Evidence Modeling of protein sequence and biophysical properties (such as structural, functional, and spatial information, amino acid conservation, physicochemical variation, residue mobility, and thermodynamic stability) indicates that this missense variant is not expected to disrupt GNMT protein function with a negative predictive value of 80%. In summary, the available evidence is currently insufficient to determine the role of this variant in disease. Therefore, it has been classified as a Variant of Uncertain Significance.

NM_018960.6(GNMT):c.566C>A (p.Ala189Glu)

Genes: CNPY3-GNMT (CNPY3-GNMT readthrough; plus strand), GNMT (glycine N-methyltransferase; plus strand). Cytogenetic location: 6p21.1.
Variant type: single nucleotide variant.
Coding change: c.566C>A on transcript NM_018960.6 (MANE Select); coding-DNA position 566, C replaced by A.
Protein change: p.Ala189Glu; replaces alanine 189 with glutamic acid.
Molecular consequence: missense variant.
Genome position (GRCh38, 1-based): chr6:42,963,186, C>A. VCF-style: chr6-42963186-C-A. GRCh37 (hg19) VCF-style: chr6-42930924-C-A.
Other names: c.368C>A, p.Ala123Glu (NM_001318856.2); c.383C>A, p.Ala128Glu (NM_001318857.2); c.275C>A, p.Ala92Glu (NM_001318858.2); c.509C>A, p.Ala170Glu (NM_001318865.2); short protein forms A123E, A128E, A92E, A189E, A170E.
Identifiers: ClinVar variation 3708931 (VCV003708931.2).
Genomic context (GRCh38, chr6:42,963,186, plus strand): 5'-CAGGGGGCCTACTGGTCATTGATCATCGCAACTACGACCACATCCTCAGTACAGGCTGTG[C>A]ACCCCCAGGGAAGAACATCTACTATAAGGTGGGGCCCTCTGGGGTGGGGGTGGGGGTGGG-3'
Protein context (NP_061833.1, residues 179-199): NYDHILSTGC[Ala189Glu]PPGKNIYYKS